The following is an entry in ClinVar:

NM_000085.5(CLCNKB):c.1066C>T (p.Gln356Ter)

Genes: CLCNKB (chloride voltage-gated channel Kb; plus strand), LOC106501713 (CLCNKB recombination region; plus strand). Cytogenetic location: 1p36.13.
Variant type: single nucleotide variant.
Coding change: c.1066C>T on transcript NM_000085.5 (MANE Select); coding-DNA position 1066, C replaced by T.
Protein change: p.Gln356Ter; replaces glutamine 356 with a stop codon.
Molecular consequence: nonsense.
Genome position (GRCh38, 1-based): chr1:16,050,887, C>T. VCF-style: chr1-16050887-C-T. GRCh37 (hg19) VCF-style: chr1-16377382-C-T.
Other names: c.559C>T, p.Gln187Ter (NM_001165945.2); short protein forms Q187*, Q356*.
Identifiers: ClinVar variation 4688289 (VCV004688289.1).
Genomic context (GRCh38, chr1:16,050,887, plus strand): 5'-CTGCCGCTGGGGGCCCCTCATGTCCAGTTCCCACCTGCCCCGCCACAGCTGTCCATGAAG[C>T]AGCATCTGGACTCGCTGTTCGACAACCACTCCTGGGCGCTGATGACCCAGAACTCCAGCC-3'

ClinVar aggregate classification (germline): Pathogenic (1 of 4 stars; one submission).

Conditions:
Bartter syndrome. Identifiers: Orphanet 112, MedGen C0004775, MONDO:0015231.

gnomAD v4.1: 2 of 1,612,114 alleles (0.00012%); highest among the groups gnomAD compares: South Asian, 0.0011%; no homozygotes.

Submission:

Women's Health and Genetics/Laboratory Corporation of America, LabCorp
Classification: Pathogenic for Bartter syndrome. Last evaluated: 2025-12-15. Review status: criteria provided, single submitter. Criteria: LabCorp Variant Classification Summary - May 2015. Collection method: clinical testing. Allele origin: germline.
Comment: Variant summary: CLCNKB c.1066C>T (p.Gln356X) results in a premature termination codon, predicted to cause a truncation of the encoded protein or absence of the protein due to nonsense mediated decay, which are commonly known mechanisms for disease. The variant was absent in 250526 control chromosomes. To our knowledge, no occurrence of c.1066C>T in individuals affected with CLCNKB-related conditions and no experimental evidence demonstrating its impact on protein function have been reported. No submitters have cited clinical-significance assessments for this variant to ClinVar. Based on the evidence outlined above, the variant was classified as pathogenic.